The following is an entry in ClinVar:

NM_015570.4(AUTS2):c.2042G>T (p.Gly681Val)

Gene: AUTS2 (activator of transcription and developmental regulator AUTS2; plus strand). Cytogenetic location: 7q11.22.
Variant type: single nucleotide variant.
Coding change: c.2042G>T on transcript NM_015570.4 (MANE Select); coding-DNA position 2042, G replaced by T.
Protein change: p.Gly681Val; replaces glycine 681 with valine.
Molecular consequence: missense variant.
Genome position (GRCh38, 1-based): chr7:70,781,652, G>T. VCF-style: chr7-70781652-G-T. GRCh37 (hg19) VCF-style: chr7-70246638-G-T.
Other names: c.1970G>T, p.Gly657Val (NM_001127231.3); short protein forms G657V, G681V.
Identifiers: ClinVar variation 1707058 (VCV001707058.2), dbSNP rs2484861408, ClinGen allele CA367663082.

ClinVar aggregate classification (germline): Uncertain significance (1 of 4 stars; one submission).

Submission:

GeneDx
Classification: Uncertain significance. Last evaluated: 2022-03-24. Review status: criteria provided, single submitter. Criteria: GeneDx Variant Classification Process June 2021. Collection method: clinical testing. Allele origin: germline. Affected: yes.
Comment: Not observed at significant frequency in large population cohorts (gnomAD); In silico analysis supports that this missense variant has a deleterious effect on protein structure/function; Has not been previously published as pathogenic or benign to our knowledge